The following is an entry in ClinVar:

NM_133433.4(NIPBL):c.3855+5G>A

Gene: NIPBL (NIPBL cohesin loading factor; plus strand). Cytogenetic location: 5p13.2.
Variant type: single nucleotide variant.
Coding change: c.3855+5G>A on transcript NM_133433.4 (MANE Select); 5 bases into the intron after coding-DNA position 3855, G replaced by A.
Molecular consequence: intron variant.
Genome position (GRCh38, 1-based): chr5:37,003,352, G>A. VCF-style: chr5-37003352-G-A. GRCh37 (hg19) VCF-style: chr5-37003454-G-A.
Other names: c.3855+5G>A (NM_015384.5).
Identifiers: ClinVar variation 159098 (VCV000159098.12), dbSNP rs80358378, ClinGen allele CA272085.
Genomic context (GRCh38, chr5:37,003,352, plus strand): 5'-ATATCTTGGAGAAGAATATTCAGGATGGGTCAAAGCTTTCCACTTTGTTAAATCATGTAA[G>A]TTTAAGATCCATACTGTTAATTTTACCCTTAATGTTATTAAGATCTATAGTAGTCCCCCA-3'

ClinVar aggregate classification (germline): Pathogenic/Likely pathogenic. Review status: criteria provided, multiple submitters, no conflicts (2 of 4 stars). 3 submissions from 3 submitters: Pathogenic (1); Likely pathogenic (2). Last evaluated 2025-08-20.

Conditions:
Cornelia de Lange syndrome 1 (CDLS1). Also called: Brachmann de Lange syndrome; NIPBL-Related Cornelia de Lange Syndrome; TYPUS DEGENERATIVUS AMSTELODAMENSIS. Identifiers: Orphanet 199, MedGen C4551851, MONDO:0007387, OMIM 122470.

Submissions (3):

Clinical Genetics Laboratory, Skane University Hospital Lund
Classification: Likely pathogenic for Cornelia de Lange syndrome 1. Last evaluated: 2025-08-20. Review status: criteria provided, single submitter. Criteria: ACMG Guidelines, 2015. Collection method: clinical testing. Allele origin: de novo. Inheritance: Autosomal dominant inheritance. Affected: yes.
Comment: ACMG criteria used: PS2, PS4_Supporting, PM2 och PP3.

Labcorp Genetics (formerly Invitae), Labcorp
Classification: Pathogenic for Cornelia de Lange syndrome 1. Last evaluated: 2025-05-12. Review status: criteria provided, single submitter. Criteria: Invitae Variant Classification Sherloc (09022015). Collection method: clinical testing. Allele origin: germline.
Comment: This sequence change falls in intron 16 of the NIPBL gene. It does not directly change the encoded amino acid sequence of the NIPBL protein. It affects a nucleotide within the consensus splice site. This variant is not present in population databases (gnomAD no frequency). This variant has been observed in individual(s) with clinical features of Cornelia de Lange syndrome (internal data). In at least one individual the variant was observed to be de novo. ClinVar contains an entry for this variant (Variation ID: 159098). Variants that disrupt the consensus splice site are a relatively common cause of aberrant splicing (PMID: 17576681, 9536098). Algorithms developed to predict the effect of sequence changes on RNA splicing suggest that this variant may disrupt the consensus splice site. For these reasons, this variant has been classified as Pathogenic.

Genetic Services Laboratory, University of Chicago
Classification: Likely pathogenic for Cornelia de Lange syndrome 1. Last evaluated: 2013-02-08. Review status: criteria provided, single submitter. Criteria: ACMG Guidelines, 2007. Collection method: clinical testing. Allele origin: germline. Inheritance: Autosomal dominant inheritance. Affected: yes.

Literature cited by the submitters: PubMed 17576681 (cited by Labcorp Genetics (formerly Invitae), Labcorp); PubMed 9536098 (cited by Labcorp Genetics (formerly Invitae), Labcorp).